The following is an entry in ClinVar:

NM_006648.4(WNK2):c.1540A>T (p.Met514Leu)

Gene: WNK2 (WNK lysine deficient protein kinase 2; plus strand). Cytogenetic location: 9q22.31.
Variant type: single nucleotide variant.
Coding change: c.1540A>T on transcript NM_006648.4 (MANE Select); coding-DNA position 1540, A replaced by T.
Protein change: p.Met514Leu; replaces methionine 514 with leucine.
Molecular consequence: missense variant.
Genome position (GRCh38, 1-based): chr9:93,239,974, A>T. VCF-style: chr9-93239974-A-T. GRCh37 (hg19) VCF-style: chr9-96002256-A-T.
Other names: c.1540A>T, p.Met514Leu (NM_001282394.3); short protein forms M514L.
Identifiers: ClinVar variation 4866540 (VCV004866540.1).

ClinVar aggregate classification (germline): Uncertain significance (1 of 4 stars; one submission).

gnomAD v4.1: 2 of 1,609,356 alleles (0.00012%); highest among the groups gnomAD compares: Non-Finnish European, 0.00017%; no homozygotes.

Submission:

Ambry Genetics
Classification: Uncertain significance. Last evaluated: 2026-03-24. Review status: criteria provided, single submitter. Criteria: Ambry Variant Classification Scheme 2023. Collection method: clinical testing. Allele origin: germline.
Comment: The p.M514L variant (also known as c.1540A>T), located in coding exon 6 of the WNK2 gene, results from an A to T substitution at nucleotide position 1540. The methionine at codon 514 is replaced by leucine, an amino acid with highly similar properties. This amino acid position is conserved. In addition, this alteration is predicted to be deleterious by in silico analysis. Based on the available evidence, the clinical significance of this variant remains unclear.